The following is an entry in ClinVar:

ClinVar aggregate classification (germline): Likely benign (0 of 4 stars; one submission).

Conditions:
MYH2-related disorder. Also called: MYH2-related condition.

Allele frequency attached by ClinVar (database versions not stated): gnomAD exomes below 0.00001.
gnomAD v4.1: 1 of 1,614,220 alleles (0.000062%); highest among the groups gnomAD compares: Non-Finnish European, 0.000085%; no homozygotes.

Submission:

PreventionGenetics, part of Exact Sciences
Classification: Likely benign for MYH2-related condition. Last evaluated: 2021-12-13. Review status: no assertion criteria provided. Collection method: clinical testing. Allele origin: germline.
Comment: This variant is classified as likely benign based on ACMG/AMP sequence variant interpretation guidelines (Richards et al. 2015 PMID: 25741868, with internal and published modifications).

NM_017534.6(MYH2):c.5301+8G>T

Genes: MYH2 (myosin heavy chain 2; minus strand), MYHAS (myosin heavy chain gene cluster antisense RNA; plus strand). Cytogenetic location: 17p13.1.
Variant type: single nucleotide variant.
Coding change: c.5301+8G>T on transcript NM_017534.6 (MANE Select); 8 bases into the intron after coding-DNA position 5301, G replaced by T.
Molecular consequence: intron variant.
Genome position (GRCh38, 1-based): chr17:10,523,751, C>A on the plus strand (G>T on the coding strand, the complement: MYH2 is on the minus strand). VCF-style: chr17-10523751-C-A. GRCh37 (hg19) VCF-style: chr17-10427068-C-A.
Other names: c.5301+8G>T (NM_001100112.2).
Identifiers: ClinVar variation 3029059 (VCV003029059.2), dbSNP rs763033844, ClinGen allele CA287734956.